The following is an entry in ClinVar:

NM_000059.4(BRCA2):c.841G>A (p.Asp281Asn)

Gene: BRCA2 (BRCA2 DNA repair associated; plus strand). Cytogenetic location: 13q13.1.
Variant type: single nucleotide variant.
Coding change: c.841G>A on transcript NM_000059.4 (MANE Select); coding-DNA position 841, G replaced by A.
Protein change: p.Asp281Asn; replaces aspartic acid 281 with asparagine.
Molecular consequence: missense variant.
Genome position (GRCh38, 1-based): chr13:32,332,319, G>A. VCF-style: chr13-32332319-G-A. GRCh37 (hg19) VCF-style: chr13-32906456-G-A.
Other names: 1069G>A; short protein forms D281N.
Identifiers: ClinVar variation 52581 (VCV000052581.37), dbSNP rs80359088, ClinGen allele CA025634.
Genomic context (GRCh38, chr13:32,332,319, plus strand): 5'-TATACTTTAACAGGATTTGGAAAAACATCAGGGAATTCATTTAAAGTAAATAGCTGCAAA[G>A]ACCACATTGGAAAGTCAATGCCAAATGTCCTAGAAGATGAAGTATATGAAACAGTTGTAG-3'
Protein context (NP_000050.3, residues 271-291): GNSFKVNSCK[Asp281Asn]HIGKSMPNVL

ClinVar aggregate classification (germline): Conflicting classifications of pathogenicity. Review status: criteria provided, conflicting classifications (1 of 4 stars). 12 submissions from 12 submitters: Uncertain significance (3); Likely benign (6). 3 of the submissions do not count toward it. Last evaluated 2026-02-03.

Conditions:
Hereditary cancer-predisposing syndrome. Also called: Neoplastic Syndromes, Hereditary; Tumor predisposition; Hereditary neoplastic syndrome; Hereditary Cancer Syndrome. Identifiers: Orphanet 140162, MedGen C0027672, MeSH D009386, MONDO:0015356.
Hereditary breast ovarian cancer syndrome. Also called: Hereditary breast and ovarian cancer syndrome; Hereditary breast and ovarian cancer; Hereditary breast and ovarian cancer syndrome (HBOC); Breast and ovarian cancer; Hereditary breast and/or ovarian cancer syndrome; BRCA1- and BRCA2-Associated Hereditary Breast and Ovarian Cancer. Identifiers: Orphanet 145, MedGen C0677776, MeSH D061325, MONDO:0003582. Disease mechanism: loss of function.
BRCA2-related cancer predisposition. Identifiers: MedGen CN377758, MONDO:0700269.
BRCA2-related disorder. Also called: BRCA2-related condition; BRCA2-related disorders. Identifiers: MedGen CN239275.
Breast-ovarian cancer, familial, susceptibility to, 2 (BROVCA2). Also called: BRCA2 Hereditary Breast and Ovarian Cancer. Identifiers: Orphanet 145, MedGen C2675520, MONDO:0012933, OMIM 612555. Disease mechanism: loss of function.

Allele frequency attached by ClinVar (database versions not stated): gnomAD exomes 0.00001 and 0.00002; ExAC 0.00002; gnomAD 0.00007; TOPMed 0.00008; 1000 Genomes Project 0.00020; 1000 Genomes Project 30x 0.00031.
gnomAD v4.1: 21 of 1,604,262 alleles (0.0013%); highest among the groups gnomAD compares: African/African-American, 0.027%; no homozygotes.

Submissions (12):

Labcorp Genetics (formerly Invitae), Labcorp
Classification: Likely benign for Hereditary breast ovarian cancer syndrome. Last evaluated: 2026-02-03. Review status: criteria provided, single submitter. Criteria: Invitae Variant Classification Sherloc (09022015). Collection method: clinical testing. Allele origin: germline.

Quest Diagnostics Nichols Institute San Juan Capistrano
Classification: Uncertain significance. Last evaluated: 2025-08-13. Review status: criteria provided, single submitter. Criteria: Quest Diagnostics criteria. Collection method: clinical testing. Allele origin: unknown.
Comment: The BRCA2 c.841G>A (p.Asp281Asn) variant has been reported in the published literature in individuals with pancreatic cancer (PMIDs: 28767289 (2017), 29338080 (2018), 32659497 (2020)), breast cancer (PMID: 34196900 (2021)), and lung cancer (PMIDs: 26689913 (2015) and 28843361 (2017)). The frequency of this variant in the general population (Genome Aggregation Database) is uninformative in the assessment of its pathogenicity. Analysis of this variant using bioinformatics tools for the prediction of the effect of amino acid changes on protein structure and function yielded conflicting predictions that this variant is benign or damaging. Based on the available information, we are unable to determine the clinical significance of this variant.

Women's Health and Genetics/Laboratory Corporation of America, LabCorp
Classification: Likely benign. Last evaluated: 2025-08-08. Review status: criteria provided, single submitter. Criteria: LabCorp Variant Classification Summary - May 2015. Collection method: clinical testing. Allele origin: germline.
Comment: Variant summary: BRCA2 c.841G>A (p.Asp281Asn) results in a conservative amino acid change in the encoded protein sequence. Algorithms developed to predict the effect of missense changes on protein structure and function all suggest that this variant is likely to be tolerated. A report from the CAGI5 (fifth Critical Assessment of Genome Interpretation) challenge has classified this variant as likely benign in a prediction protocol that includes assessment of the impact of this variant on splicing and protein function using four sets of predictors (Padilla_2019). The variant allele was found at a frequency of 2.5e-05 in 243274 control chromosomes. The available data on variant occurrences in the general population are insufficient to allow any conclusion about variant significance. In addition, this variant was found in 3/2559 (0.0012) African American individuals who are older than 70 years and cancer free (FLOSSIES database). c.841G>A has been observed in individual(s) affected with lung cancer or pancreatic cancer within the TGCA cohort and in settings of multigene cancer panel testing (example, Lu_2015, Shindo_2017, Parry_2017, O'Reilly_2018_Ren_2021). These report(s) do not provide unequivocal conclusions about association of the variant with Hereditary Breast And Ovarian Cancer Syndrome. Co-occurrences with other pathogenic variant(s) have been reported (BRCA1 c.4611_4612insG, p.Gln1537_Gln1538?fs), providing supporting evidence for a benign role. To our knowledge, no experimental evidence demonstrating an impact on protein function has been reported. The following publications have been ascertained in the context of this evaluation (PMID: 26689913, 29338080, 28843361, 34196900, 28767289, 31112341). ClinVar contains an entry for this variant (Variation ID: 52581). Based on the evidence outlined above, the variant was classified as likely benign.

All of Us Research Program, National Institutes of Health
Classification: Uncertain significance for BRCA2-related cancer predisposition. Last evaluated: 2024-09-23. Review status: criteria provided, single submitter. Criteria: ACMG Guidelines, 2015. Collection method: clinical testing. Allele origin: germline. Inheritance: Autosomal dominant inheritance. Observed: 5 variant alleles, 5 heterozygotes.
Comment: This missense variant replaces aspartic acid with asparagine at codon 281 of the BRCA2 protein. Computational prediction suggests that this variant may not impact protein structure and function (internally defined REVEL score threshold <= 0.5, PMID: 27666373). To our knowledge, functional studies have not been reported for this variant. This variant has been reported in individuals affected with pancreatic adenocarcinoma (PMID: 28767289, 29338080, 32659497), breast cancer (DOI: 10.1101/2020.08.09.20171165 ), and lung cancer (PMID: 28843361). This variant has been reported in a multifactorial analysis as likely benign based in part to segregation and family history likelihood ratios (PMID: 31131967). This variant has been identified in 6/243274 chromosomes in the general population by the Genome Aggregation Database (gnomAD). The available evidence is insufficient to determine the role of this variant in disease conclusively. Therefore, this variant is classified as a Variant of Uncertain Significance.

This study involves interpretation of variants in research participants for the purpose of population health screening. Participant phenotype was not available at the time of variant classification. Additional details can be found in publication PMID: 35346344, PMCID: PMC8962531

Color Diagnostics, LLC DBA Color Health
Classification: Likely benign for Hereditary cancer-predisposing syndrome. Last evaluated: 2024-09-05. Review status: criteria provided, single submitter. Criteria: ACMG Guidelines, 2015. Collection method: clinical testing. Allele origin: germline.

University of Washington Department of Laboratory Medicine, University of Washington
Classification: Likely benign for Hereditary cancer-predisposing syndrome. Last evaluated: 2023-03-23. Review status: criteria provided, single submitter. Criteria: Dines et al. (Genet Med. 2020). Collection method: curation. Allele origin: germline.
Comment: Missense variant in a coldspot region where missense variants are very unlikely to be pathogenic (PMID:31911673).

BRCA2 exon 10 coldspot. Reclassification based on statistical prior probability.

Ambry Genetics
Classification: Likely benign for Hereditary cancer-predisposing syndrome. Last evaluated: 2021-11-26. Review status: criteria provided, single submitter. Criteria: Ambry Variant Classification Scheme 2023. Collection method: clinical testing. Allele origin: germline.

Sema4
Classification: Uncertain significance for Hereditary cancer-predisposing syndrome. Last evaluated: 2021-08-02. Review status: criteria provided, single submitter. Criteria: Sema4 Curation Guidelines. Collection method: curation. Allele origin: germline.
Comment: The BRCA2 c.841G>A (p.D281N) variant has been reported in individuals with pancreatic cancer, lung cancer, and breast cancer (PMID: 32659497, 29338080, 28767289, 28843361, 26689913, 34196900). However, these reports do not provide clear evidence about association of the variant with cancer. It was observed in 6/15988 chromosomes of the African/African American subpopulation in the large and broad cohorts of the Genome Aggregation Database (PMID: 32461654). The variant has been reported in ClinVar (Variation ID 52581). Functional studies have not been performed, and in silico predictions of the variant's effect on protein function are inconclusive. The evidence is insufficient to meet ACMG/AMP criteria for classifying the variant as benign or pathogenic. Thus, the clinical significance of this variant is currently uncertain.

GeneDx
Classification: Likely benign. Last evaluated: 2018-09-28. Review status: criteria provided, single submitter. Criteria: GeneDx Variant Classification Process June 2021. Collection method: clinical testing. Allele origin: germline. Affected: yes.
Comment: This variant is associated with the following publications: (PMID: 26689913, 29126202, 29338080, 28767289)

PreventionGenetics, part of Exact Sciences
Classification: Likely benign for BRCA2-related condition. Last evaluated: 2024-08-26. Review status: no assertion criteria provided. Collection method: clinical testing. Allele origin: germline. Not counted in ClinVar's aggregate classification.
Comment: This variant is classified as likely benign based on ACMG/AMP sequence variant interpretation guidelines (Richards et al. 2015 PMID: 25741868, with internal and published modifications).

Sharing Clinical Reports Project (SCRP)
Classification: Likely benign for Breast-ovarian cancer, familial 2. Last evaluated: 2012-03-29. Review status: no assertion criteria provided. Collection method: clinical testing. Allele origin: germline. Not counted in ClinVar's aggregate classification.

Breast Cancer Information Core (BIC) (BRCA2)
Classification: Uncertain significance for Breast-ovarian cancer, familial 2. Last evaluated: 2002-06-20. Review status: no assertion criteria provided. Collection method: clinical testing. Allele origin: germline. Affected: yes. Observed: 2 variant alleles. Not counted in ClinVar's aggregate classification.

Literature cited by the submitters: PubMed 28843361 (cited by 4 submitters); PubMed 31131967 (cited by Quest Diagnostics Nichols Institute San Juan Capistrano and All of Us Research Program, National Institutes of Health); PubMed 32659497 (cited by 3 submitters); PubMed 31112341 (cited by Quest Diagnostics Nichols Institute San Juan Capistrano and Women's Health and Genetics/Laboratory Corporation of America, LabCorp); PubMed 34196900 (cited by 3 submitters); PubMed 28767289 (cited by 5 submitters); PubMed 26689913 (cited by 4 submitters); PubMed 29338080 (cited by 5 submitters).